The following is an entry in ClinVar:

NM_001382391.1(CSPP1):c.1850G>A (p.Arg617Lys)

Gene: CSPP1 (centrosome and spindle pole associated protein 1; plus strand). Cytogenetic location: 8q13.2.
Variant type: single nucleotide variant.
Coding change: c.1850G>A on transcript NM_001382391.1 (MANE Select); coding-DNA position 1850, G replaced by A.
Protein change: p.Arg617Lys; replaces arginine 617 with lysine.
Molecular consequence: missense variant.
Genome position (GRCh38, 1-based): chr8:67,137,478, G>A. VCF-style: chr8-67137478-G-A. GRCh37 (hg19) VCF-style: chr8-68049713-G-A.
Other names: c.953G>A, p.Arg318Lys (NM_001291339.2); c.1769G>A, p.Arg590Lys (NM_001363131.2); c.1808G>A, p.Arg603Lys (NM_001363132.2); c.1727G>A, p.Arg576Lys (NM_001363133.2); c.1916G>A, p.Arg639Lys (NM_001364869.1); c.1736G>A, p.Arg579Lys (NM_001364870.1); c.1835G>A, p.Arg612Lys (NM_024790.7); short protein forms R590K, R612K, R617K, R318K, R579K, R603K, R576K, R639K.
Identifiers: ClinVar variation 2062724 (VCV002062724.3), dbSNP rs771683699, ClinGen allele CA4770681.

ClinVar aggregate classification (germline): Uncertain significance. Review status: criteria provided, multiple submitters, no conflicts (2 of 4 stars). 2 submissions from 2 submitters: Uncertain significance (2). Last evaluated 2022-10-26.

Conditions:
Inborn genetic diseases. Identifiers: MedGen C0950123, MeSH D030342.
Joubert syndrome 21 (JBTS21). Identifiers: MedGen C3810212, MONDO:0014288, OMIM 615636.

Allele frequency attached by ClinVar (database versions not stated): ExAC 0.00002.

Submissions (2):

Ambry Genetics
Classification: Uncertain significance for Inborn genetic diseases. Last evaluated: 2022-10-26. Review status: criteria provided, single submitter. Criteria: Ambry Variant Classification Scheme 2023. Collection method: clinical testing. Allele origin: germline.

Labcorp Genetics (formerly Invitae), Labcorp
Classification: Uncertain significance for Joubert syndrome 21. Last evaluated: 2022-07-26. Review status: criteria provided, single submitter. Criteria: Invitae Variant Classification Sherloc (09022015). Collection method: clinical testing. Allele origin: germline.
Comment: The frequency data for this variant in the population databases is considered unreliable, as metrics indicate poor data quality at this position in the gnomAD database. This sequence change replaces arginine, which is basic and polar, with lysine, which is basic and polar, at codon 612 of the CSPP1 protein (p.Arg612Lys). This variant has not been reported in the literature in individuals affected with CSPP1-related conditions. In summary, the available evidence is currently insufficient to determine the role of this variant in disease. Therefore, it has been classified as a Variant of Uncertain Significance. Algorithms developed to predict the effect of missense changes on protein structure and function (SIFT, PolyPhen-2, Align-GVGD) all suggest that this variant is likely to be tolerated.